The following is an entry in ClinVar:

NM_001386140.1(MTTP):c.2515C>T (p.Gln839Ter)

Gene: MTTP (microsomal triglyceride transfer protein; plus strand). Cytogenetic location: 4q23.
Variant type: single nucleotide variant.
Coding change: c.2515C>T on transcript NM_001386140.1 (MANE Select); coding-DNA position 2515, C replaced by T.
Protein change: p.Gln839Ter; replaces glutamine 839 with a stop codon.
Molecular consequence: nonsense.
Genome position (GRCh38, 1-based): chr4:99,622,678, C>T. VCF-style: chr4-99622678-C-T. GRCh37 (hg19) VCF-style: chr4-100543835-C-T.
Other names: c.2515C>T, p.Gln839Ter (NM_000253.4); c.2266C>T, p.Gln756Ter (NM_001300785.2); short protein forms Q839*, Q756*.
Identifiers: ClinVar variation 855865 (VCV000855865.6), dbSNP rs1726266741, ClinGen allele CA357520120.

ClinVar aggregate classification (germline): Pathogenic (1 of 4 stars; one submission).

Submission:

Labcorp Genetics (formerly Invitae), Labcorp
Classification: Pathogenic. Last evaluated: 2022-03-09. Review status: criteria provided, single submitter. Criteria: Invitae Variant Classification Sherloc (09022015). Collection method: clinical testing. Allele origin: germline.
Comment: This sequence change creates a premature translational stop signal (p.Gln839*) in the MTTP gene. While this is not anticipated to result in nonsense mediated decay, it is expected to disrupt the last 56 amino acid(s) of the MTTP protein. This variant is not present in population databases (gnomAD no frequency). This variant has not been reported in the literature in individuals affected with MTTP-related conditions. For these reasons, this variant has been classified as Pathogenic. This variant disrupts a region of the MTTP protein in which other variant(s) (p.Gly865*) have been determined to be pathogenic (PMID: 7782284, 17275380, 20592474). This suggests that this is a clinically significant region of the protein, and that variants that disrupt it are likely to be disease-causing. Algorithms developed to predict the effect of sequence changes on RNA splicing suggest that this variant may create or strengthen a splice site. ClinVar contains an entry for this variant (Variation ID: 855865).

Literature cited by the submitters: PubMed 7782284; PubMed 17275380; PubMed 20592474.